The following is an entry in ClinVar:

NM_024675.4(PALB2):c.376G>A (p.Glu126Lys)

Gene: PALB2 (partner and localizer of BRCA2; minus strand). Cytogenetic location: 16p12.2.
Variant type: single nucleotide variant.
Coding change: c.376G>A on transcript NM_024675.4 (MANE Select); coding-DNA position 376, G replaced by A.
Protein change: p.Glu126Lys; replaces glutamic acid 126 with lysine.
Molecular consequence: missense variant.
Genome position (GRCh38, 1-based): chr16:23,636,170, C>T on the plus strand (G>A on the coding strand, the complement: PALB2 is on the minus strand). VCF-style: chr16-23636170-C-T. GRCh37 (hg19) VCF-style: chr16-23647491-C-T.
Other names: c.-510G>A (NM_001407305.1, NM_001407306.1, NM_001407307.1 and 5 more transcripts); c.316G>A, p.Glu106Lys (NM_001407296.1); c.376G>A, p.Glu126Lys (NM_001407297.1, NM_001407298.1, NM_001407299.1 and 3 more transcripts); short protein forms E106K, E126K.
Identifiers: ClinVar variation 1734751 (VCV001734751.8), dbSNP rs577006107, ClinGen allele CA7963797.

ClinVar aggregate classification (germline): Conflicting classifications of pathogenicity. Review status: criteria provided, conflicting classifications (1 of 4 stars). 3 submissions from 3 submitters: Uncertain significance (2); Likely benign (1). Last evaluated 2025-08-06.

Conditions:
Hereditary cancer-predisposing syndrome. Also called: Neoplastic Syndromes, Hereditary; Tumor predisposition; Hereditary Cancer Syndrome; Hereditary neoplastic syndrome. Identifiers: Orphanet 140162, MedGen C0027672, MeSH D009386, MONDO:0015356.
Familial cancer of breast. Also called: BREAST CANCER, FAMILIAL; Hereditary breast cancer; hereditary breast carcinoma. Identifiers: Orphanet 227535, MedGen C0346153, MONDO:0016419, OMIM 114480. Disease mechanism: loss of function.

Allele frequency attached by ClinVar (database versions not stated): TOPMed below 0.00001; ExAC 0.00001; 1000 Genomes Project 30x 0.00031; gnomAD exomes 0.00001; gnomAD 0.00002; 1000 Genomes Project 0.00020.
gnomAD v4.1: 14 of 1,612,508 alleles (0.00087%); highest among the groups gnomAD compares: South Asian, 0.013%; no homozygotes.

Submissions (3):

Labcorp Genetics (formerly Invitae), Labcorp
Classification: Uncertain significance for Familial cancer of breast. Last evaluated: 2025-08-06. Review status: criteria provided, single submitter. Criteria: Invitae Variant Classification Sherloc (09022015). Collection method: clinical testing. Allele origin: germline.
Comment: This sequence change replaces glutamic acid, which is acidic and polar, with lysine, which is basic and polar, at codon 126 of the PALB2 protein (p.Glu126Lys). This variant is present in population databases (rs577006107, gnomAD 0.007%). This variant has not been reported in the literature in individuals affected with PALB2-related conditions. ClinVar contains an entry for this variant (Variation ID: 1734751). An algorithm developed to predict the effect of missense changes on protein structure and function outputs the following: PolyPhen-2: "Benign". The lysine amino acid residue is found in multiple mammalian species, which suggests that this missense change does not adversely affect protein function. In summary, the available evidence is currently insufficient to determine the role of this variant in disease. Therefore, it has been classified as a Variant of Uncertain Significance.

Ambry Genetics
Classification: Likely benign for Hereditary cancer-predisposing syndrome. Last evaluated: 2025-03-14. Review status: criteria provided, single submitter. Criteria: Ambry Variant Classification Scheme 2023. Collection method: clinical testing. Allele origin: germline.

Quest Diagnostics Nichols Institute San Juan Capistrano
Classification: Uncertain significance. Last evaluated: 2023-01-13. Review status: criteria provided, single submitter. Criteria: Quest Diagnostics criteria. Collection method: clinical testing. Allele origin: unknown.
Comment: The variant has not been reported in the published literature. The frequency of this variant in the general population, 0.000008 (2/250454 chromosomes), is uninformative in assessment of its pathogenicity. Analysis of this variant using bioinformatics tools for the prediction of the effect of amino acid changes on protein structure and function yielded conflicting predictions that this variant is benign or damaging. Based on the available information, we are unable to determine the clinical significance of this variant.

Literature cited by the submitters: PubMed 21409391 (cited by Ambry Genetics).